The following is an entry in ClinVar:

ClinVar aggregate classification (germline): Uncertain significance. Review status: criteria provided, multiple submitters, no conflicts (2 of 4 stars). 2 submissions from 2 submitters: Uncertain significance (2). Last evaluated 2024-04-20.

Conditions:
Spinocerebellar ataxia, autosomal recessive 22 (SCAR22). Identifiers: MedGen C4310781, MONDO:0014845, OMIM 616948.

Allele frequency attached by ClinVar (database versions not stated): ESP Exome Variant Server 0.00033; gnomAD 0.00047 and 0.00053.
gnomAD v4.1: 129 of 1,612,548 alleles (0.008%); highest among the groups gnomAD compares: African/African-American, 0.16%; no homozygotes.

Submissions (2):

Ambry Genetics
Classification: Uncertain significance. Last evaluated: 2024-04-20. Review status: criteria provided, single submitter. Criteria: Ambry Variant Classification Scheme 2023. Collection method: clinical testing. Allele origin: germline.

New York Genome Center
Classification: Uncertain significance for Spinocerebellar ataxia, autosomal recessive 22. Last evaluated: 2020-10-23. Review status: criteria provided, single submitter. Criteria: NYGC Assertion Criteria 2020. Collection method: clinical testing. Allele origin: inherited. Observed: 1 compound heterozygote. Study: CSER-NYCKidSeq.
Comment: The inherited c.544G>A(p.Val182Ile)missense variant (also in the splice region) in exon 5 of 28 of VWA3B has not been reported in affected individuals in the available literature. This variant is present in gnomADv3 at a low frequency (75/143304alleles, allele frequency = 0.0005234; no homozygotes) indicating it is not a common benign variant in the populations represented in this database. In silico predictors suggest this variant is Benign (REVEL; score: 0.08699) and Tolerated (SIFT; score: 0.206). Given the evidence regarding its pathogenicity, the c.544G>A (p.Val182Ile) variant identified in the VWA3B gene is reported as a Variant of Uncertain Significance.

NM_144992.5(VWA3B):c.544G>A (p.Val182Ile)

Gene: VWA3B (von Willebrand factor A domain containing 3B; plus strand). Cytogenetic location: 2q11.2.
Variant type: single nucleotide variant.
Coding change: c.544G>A on transcript NM_144992.5 (MANE Select); coding-DNA position 544, G replaced by A.
Protein change: p.Val182Ile; replaces valine 182 with isoleucine.
Molecular consequence: missense variant. On other transcripts: non-coding transcript variant (3).
Genome position (GRCh38, 1-based): chr2:98,121,300, G>A. VCF-style: chr2-98121300-G-A. GRCh37 (hg19) VCF-style: chr2-98737763-G-A.
Other names: short protein forms V182I.
Identifiers: ClinVar variation 1213771 (VCV001213771.2), dbSNP rs367870902, ClinGen allele CA1792242.